The following is an entry in ClinVar:

ClinVar aggregate classification (germline): Uncertain significance (1 of 4 stars; one submission).

Conditions:
Lowe syndrome (OCRL). Also called: LOWE OCULOCEREBRORENAL SYNDROME; Oculocerebrorenal Syndrome; PHOSPHATIDYLINOSITOL 4,5-BISPHOSPHATE 5-PHOSPHATASE DEFICIENCY. Identifiers: Orphanet 534, MedGen C0028860, MONDO:0010645, OMIM 309000.

Submission:

Labcorp Genetics (formerly Invitae), Labcorp
Classification: Uncertain significance for Lowe syndrome. Last evaluated: 2019-12-02. Review status: criteria provided, single submitter. Criteria: Invitae Variant Classification Sherloc (09022015). Collection method: clinical testing. Allele origin: germline.
Comment: In summary, the available evidence is currently insufficient to determine the role of this variant in disease. Therefore, it has been classified as a Variant of Uncertain Significance. Algorithms developed to predict the effect of missense changes on protein structure and function are either unavailable or do not agree on the potential impact of this missense change (SIFT: "Deleterious"; PolyPhen-2: "Probably Damaging"; Align-GVGD: "Class C0"). This variant has not been reported in the literature in individuals with OCRL-related disease. This variant is not present in population databases (ExAC no frequency). This sequence change replaces valine with glycine at codon 249 of the OCRL protein (p.Val249Gly). The valine residue is highly conserved and there is a moderate physicochemical difference between valine and glycine.

NM_000276.4(OCRL):c.746T>G (p.Val249Gly)

Gene: OCRL (OCRL inositol polyphosphate-5-phosphatase; plus strand). Cytogenetic location: Xq26.1.
Variant type: single nucleotide variant.
Coding change: c.746T>G on transcript NM_000276.4 (MANE Select); coding-DNA position 746, T replaced by G.
Protein change: p.Val249Gly; replaces valine 249 with glycine.
Molecular consequence: missense variant.
Genome position (GRCh38, 1-based): chrX:129,560,573, T>G. VCF-style: chrX-129560573-T-G. GRCh37 (hg19) VCF-style: chrX-128694550-T-G.
Other names: c.749T>G, p.Val250Gly (NM_001318784.2); c.746T>G, p.Val249Gly (NM_001587.4); short protein forms V249G, V250G.
Identifiers: ClinVar variation 651071 (VCV000651071.10), dbSNP rs1602783417, ClinGen allele CA414551970.